The following is an entry in ClinVar:

NM_004360.5(CDH1):c.164-8976_164-8973dup

Gene: CDH1 (cadherin 1; plus strand). Cytogenetic location: 16q22.1.
Variant type: Duplication.
Coding change: c.164-8976_164-8973dup on transcript NM_004360.5 (MANE Select); 8976 bases into the intron before coding-DNA position 164 through 8973 bases into the intron before coding-DNA position 164, 4 bases duplicated (GAGT; older notation c.164-8976_164-8973dupGAGT).
Molecular consequence: intron variant.
Genome position (GRCh38, 1-based): chr16:68,792,694-68,792,697, GAGT duplicated; duplicating any 4 consecutive bases within chr16:68,792,693-68,792,697 gives the same sequence; the c. name uses the placement nearest the transcript's 3' end. VCF-style (leftmost placement, unchanged base first): chr16-68792692-T-TTGAG. GRCh37 (hg19) VCF-style: chr16-68826595-T-TTGAG.
Other names: c.-1656-8976_-1656-8973dup (NM_001317186.2); c.164-8976_164-8973dup (NM_001317184.2); c.-1452-8976_-1452-8973dup (NM_001317185.2).
Identifiers: ClinVar variation 2823662 (VCV002823662.3), dbSNP rs753601977, ClinGen allele CA283283598.
Genomic context (GRCh38, chr16:68,792,692, plus strand): 5'-CCAAGCAGAACCATGGTTGGGAAAGCAAAAAGACACCCTTTGCCAGTGTGACCAAGTCGC[T>TTGAG]TGAGTAATCTTAAACAAAGGGAAAAAGTCAAGGGCGATGGCTTACACCTTTAGCCTTGTT-3'

ClinVar aggregate classification (germline): Uncertain significance (1 of 4 stars; one submission).

Conditions:
Hereditary diffuse gastric adenocarcinoma (HDGC). Also called: DIFFUSE GASTRIC AND LOBULAR BREAST CANCER SYNDROME. Identifiers: Orphanet 26106, MedGen C1708349, MONDO:0007648, OMIM 137215.

Submission:

Labcorp Genetics (formerly Invitae), Labcorp
Classification: Uncertain significance for Hereditary diffuse gastric adenocarcinoma. Last evaluated: 2024-03-21. Review status: criteria provided, single submitter. Criteria: Invitae Variant Classification Sherloc (09022015). Collection method: clinical testing. Allele origin: germline.
Comment: This sequence change falls in intron 2 of the CDH1 gene. It does not directly change the encoded amino acid sequence of the CDH1 protein. This variant is not present in population databases (gnomAD no frequency). This variant has not been reported in the literature in individuals affected with CDH1-related conditions. Studies have shown that this variant is associated with inconclusive levels of altered splicing (Invitae). In summary, the available evidence is currently insufficient to determine the role of this variant in disease. Therefore, it has been classified as a Variant of Uncertain Significance.